The following is an entry in ClinVar:

NM_177438.3(DICER1):c.3610TAC[1] (p.Tyr1205del)

Gene: DICER1 (dicer 1, ribonuclease III; minus strand). Cytogenetic location: 14q32.13.
Variant type: Microsatellite.
Coding change: c.3610TAC[1] on transcript NM_177438.3 (MANE Select); one copy of the 3-base unit TAC starting at c.3610; the reference has two copies in a row; one copy, 3 bases deleted.
Protein change: p.Tyr1205del; deletes tyrosine 1205.
Molecular consequence: inframe deletion.
Genome position (GRCh38, 1-based): chr14:95,103,781-95,103,783, GTA deleted on the plus strand (TAC on the coding strand, the reverse complement: DICER1 is on the minus strand); deleting any 3 consecutive bases within chr14:95,103,781-95,103,786 gives the same sequence; the position shown is the placement nearest the transcript's 3' end. VCF-style (leftmost placement, unchanged base first): chr14-95103780-TGTA-T. GRCh37 (hg19) VCF-style: chr14-95570117-TGTA-T.
Other names: c.3613_3615delTAC (NM_177438.2); c.3610TAC[1], p.Tyr1205del (NM_001195573.1, NM_001271282.3, NM_001291628.2 and 1 more transcripts); short protein forms Y1205del.
Identifiers: ClinVar variation 838009 (VCV000838009.13), dbSNP rs748134383, ClinGen allele CA7331019.

ClinVar aggregate classification (germline): Uncertain significance. Review status: criteria provided, multiple submitters, no conflicts (2 of 4 stars). 2 submissions from 2 submitters: Uncertain significance (2). Last evaluated 2025-08-17.

Conditions:
Hereditary cancer-predisposing syndrome. Also called: Neoplastic Syndromes, Hereditary; Hereditary neoplastic syndrome; Tumor predisposition; Hereditary Cancer Syndrome. Identifiers: Orphanet 140162, MedGen C0027672, MeSH D009386, MONDO:0015356.
DICER1-related tumor predisposition. Also called: DICER1-related pleuropulmonary blastoma cancer predisposition syndrome; DICER1 syndrome. Identifiers: Orphanet 284343, MedGen C3839822, MONDO:0100216.

Submissions (2):

Labcorp Genetics (formerly Invitae), Labcorp
Classification: Uncertain significance for DICER1-related tumor predisposition. Last evaluated: 2025-08-17. Review status: criteria provided, single submitter. Criteria: Invitae Variant Classification Sherloc (09022015). Collection method: clinical testing. Allele origin: germline.
Comment: This variant, c.3613_3615del, results in the deletion of 1 amino acid(s) of the DICER1 protein (p.Tyr1205del), but otherwise preserves the integrity of the reading frame. This variant is present in population databases (rs748134383, gnomAD 0.0009%). This variant has not been reported in the literature in individuals affected with DICER1-related conditions. ClinVar contains an entry for this variant (Variation ID: 838009). Experimental studies and prediction algorithms are not available or were not evaluated, and the functional significance of this variant is currently unknown. In summary, the available evidence is currently insufficient to determine the role of this variant in disease. Therefore, it has been classified as a Variant of Uncertain Significance.

Ambry Genetics
Classification: Uncertain significance for Hereditary cancer-predisposing syndrome. Last evaluated: 2023-04-12. Review status: criteria provided, single submitter. Criteria: Ambry Variant Classification Scheme 2023. Collection method: clinical testing. Allele origin: germline.
Comment: The c.3613_3615delTAC variant (also known as p.Y1205del) is located in coding exon 20 of the DICER1 gene. This variant results from an in-frame TAC deletion at nucleotide positions 3613 to 3615. This results in the in-frame deletion of a tyrosine at codon 1205. This amino acid position is poorly conserved in available vertebrate species. In addition, this alteration is predicted to be neutral by in silico analysis (Choi Y et al. PLoS ONE. 2012; 7(10):e46688). Since supporting evidence is limited at this time, the clinical significance of this alteration remains unclear.